The following continues an entry in ClinVar:

NM_000179.3(MSH6):c.742C>T (p.Arg248Ter)

Gene: MSH6. ClinVar aggregate classification (germline): Pathogenic. Pathogenic (1).

Submissions 11 to 16 of 16:

All of Us Research Program, National Institutes of Health
Classification: Pathogenic for Lynch syndrome. Last evaluated: 2023-04-10. Review status: criteria provided, single submitter. Criteria: ACMG Guidelines, 2015. Collection method: clinical testing. Allele origin: germline. Inheritance: Autosomal dominant inheritance. Observed: 1 variant allele, 1 heterozygote. Not counted in ClinVar's aggregate classification.
Comment: This variant changes 1 nucleotide in exon 4 of the MSH6 gene, creating a premature translation stop signal. This variant is expected to result in an absent or non-functional protein product. This variant has been reported in individuals and families affected with Lynch syndrome, with tumor analyses showing microsatellite instability and/or loss of MSH6 protein by immunohistochemistry analyses (PMID: 10508506, 12547705, 18301448, 33937060). This variant has not been identified in the general population by the Genome Aggregation Database (gnomAD). Loss of MSH6 function is a known mechanism of disease. Based on the available evidence, this variant is classified as Pathogenic.

This study involves interpretation of variants in research participants for the purpose of population health screening. Participant phenotype was not available at the time of variant classification. Additional details can be found in publication PMID: 35346344, PMCID: PMC8962531

Mayo Clinic Laboratories, Mayo Clinic
Classification: Pathogenic. Last evaluated: 2023-03-30. Review status: criteria provided, single submitter. Criteria: ACMG Guidelines, 2015. Collection method: clinical testing. Allele origin: germline. Observed: 2 variant alleles. Not counted in ClinVar's aggregate classification.
Comment: PP4, PP5, PM2, PVS1

Baylor Genetics
Classification: Pathogenic for Endometrial carcinoma. Last evaluated: 2022-11-22. Review status: criteria provided, single submitter. Criteria: ACMG Guidelines, 2015. Collection method: clinical testing. Allele origin: unknown. Not counted in ClinVar's aggregate classification.

MGZ Medical Genetics Center
Classification: Pathogenic for Lynch syndrome 5. Last evaluated: 2022-02-09. Review status: criteria provided, single submitter. Criteria: ACMG Guidelines, 2015. Collection method: clinical testing. Allele origin: germline. Affected: yes. Observed: 3 variant alleles. Not counted in ClinVar's aggregate classification.
Comment: ACMG criteria applied: PVS1, PS4_MOD, PM2_SUP

Sema4
Classification: Pathogenic for Hereditary cancer-predisposing syndrome. Last evaluated: 2021-04-13. Review status: criteria provided, single submitter. Criteria: Sema4 Curation Guidelines. Collection method: curation. Allele origin: germline. Not counted in ClinVar's aggregate classification.
Comment: The MSH6 c.742C>T (p.R248X) variant has been reported in multiple individuals with colorectal cancer (PMID: 18301448, 15236168, 12547705). This nonsense variant creates a premature stop codon at residue 248 of the MSH6 protein, which is expected to result in loss of function by premature protein truncation or nonsense-mediated mRNA decay. Loss of function of the MSH6 gene is an established disease mechanism in Lynch syndrome-associated cancers. This variant is not reported in the population database Genome Aggregation Database (PMID: 32461654). This variant has been reported in ClinVar (Variation ID: 89563). Based on the current evidence available, this variant is interpreted as pathogenic.

Laboratory for Molecular Medicine, Mass General Brigham Personalized Medicine
Classification: Pathogenic for Lynch syndrome. Last evaluated: 2019-10-14. Review status: criteria provided, single submitter. Criteria: ACMG Guidelines, 2015. Collection method: clinical testing. Allele origin: germline. Not counted in ClinVar's aggregate classification.
Comment: The p.Arg248X variant in MSH6 has been previously reported in 1 individual with Lynch syndrome (Steinke 2008) and 2 individuals with colorectal cancer (Wijnen 1999, Hendricks 2003). It was absent from large population studies. This variant was classified as Pathogenic on September 5, 2013 by the ClinGen-approved InSiGHT expert panel (Variation ID 89563). This nonsense variant leads to a premature termination codon at position 248, which is predicted to lead to a truncated or absent protein. Heterozygous loss of function of the MSH6 gene is an established disease mechanism in individuals with Lynch syndrome. In summary, this variant meets criteria to be classified as pathogenic for autosomal dominant Lynch syndrome. ACMG/AMP criteria applied: PVS1, PM2, PS4_Supporting.

Literature cited by the submitters: PubMed 10508506 (cited by 8 submitters); PubMed 12547705 (cited by 8 submitters); PubMed 18301448 (cited by 9 submitters); PubMed 33937060 (cited by 7 submitters); PubMed 18269114 (cited by Labcorp Genetics (formerly Invitae), Labcorp); PubMed 24362816 (cited by Labcorp Genetics (formerly Invitae), Labcorp); PubMed 31307542 (cited by 3 submitters); PubMed 33471991 (cited by Quest Diagnostics Nichols Institute San Juan Capistrano and Ambry Genetics); PubMed 15236168 (cited by Women's Health and Genetics/Laboratory Corporation of America, LabCorp and Sema4); PubMed 28152038 (cited by Women's Health and Genetics/Laboratory Corporation of America, LabCorp).